The following is an entry in ClinVar:

NM_004523.4(KIF11):c.598G>C (p.Glu200Gln)

Gene: KIF11 (kinesin family member 11; plus strand). Cytogenetic location: 10q23.33.
Variant type: single nucleotide variant.
Coding change: c.598G>C on transcript NM_004523.4 (MANE Select); coding-DNA position 598, G replaced by C.
Protein change: p.Glu200Gln; replaces glutamic acid 200 with glutamine.
Molecular consequence: missense variant.
Genome position (GRCh38, 1-based): chr10:92,609,409, G>C. VCF-style: chr10-92609409-G-C. GRCh37 (hg19) VCF-style: chr10-94369166-G-C.
Other names: short protein forms E200Q.
Identifiers: ClinVar variation 3730907 (VCV003730907.2).

ClinVar aggregate classification (germline): Uncertain significance (1 of 4 stars; one submission).

Submission:

GeneDx
Classification: Uncertain significance. Last evaluated: 2025-06-03. Review status: criteria provided, single submitter. Criteria: GeneDx Variant Classification Process June 2021. Collection method: clinical testing. Allele origin: germline.
Comment: Not observed at significant frequency in large population cohorts (gnomAD); In silico analysis supports that this missense variant has a deleterious effect on protein structure/function; Has not been previously published as pathogenic or benign to our knowledge